The following is an entry in ClinVar:

ClinVar aggregate classification (germline): Uncertain significance. Review status: criteria provided, multiple submitters, no conflicts (2 of 4 stars). 2 submissions from 2 submitters: Uncertain significance (2). Last evaluated 2026-02-10.

Conditions:
Hereditary cancer-predisposing syndrome. Also called: Neoplastic Syndromes, Hereditary; Hereditary neoplastic syndrome; Tumor predisposition; Hereditary Cancer Syndrome. Identifiers: Orphanet 140162, MedGen C0027672, MeSH D009386, MONDO:0015356.
Carney-Stratakis syndrome. Also called: PARAGANGLIOMA AND GASTROINTESTINAL STROMAL TUMOR. Identifiers: Orphanet 97286, MedGen C1847319, MONDO:0011740, OMIM 606864.
Pheochromocytoma. Also called: MAX-Related Hereditary Paraganglioma-Pheochromocytoma Syndrome. Identifiers: Orphanet 29072, MedGen C0031511, MONDO:0008233, OMIM 171300, HP:0002666.
Paragangliomas with sensorineural hearing loss. Identifiers: MedGen C1868633.
Cowden syndrome 3 (CWS3). Identifiers: Orphanet 201, MedGen CN166604, MONDO:0014045.

Allele frequency attached by ClinVar (database versions not stated): gnomAD exomes below 0.00001.
gnomAD v4.1: 1 of 1,614,094 alleles (0.000062%); highest among the groups gnomAD compares: Non-Finnish European, 0.000085%; no homozygotes.

Submissions (2):

Ambry Genetics
Classification: Uncertain significance for Hereditary cancer-predisposing syndrome. Last evaluated: 2026-02-10. Review status: criteria provided, single submitter. Criteria: Ambry Variant Classification Scheme 2023. Collection method: clinical testing. Allele origin: germline.
Comment: The p.C88F variant (also known as c.263G>T), located in coding exon 3 of the SDHD gene, results from a G to T substitution at nucleotide position 263. The cysteine at codon 88 is replaced by phenylalanine, an amino acid with highly dissimilar properties. This amino acid position is not well conserved in available vertebrate species. In addition, this alteration is predicted to be deleterious by in silico analysis. Based on the available evidence, the clinical significance of this variant remains unclear.

Labcorp Genetics (formerly Invitae), Labcorp
Classification: Uncertain significance for Carney-Stratakis syndrome; Paragangliomas with sensorineural hearing loss; Pheochromocytoma; Cowden syndrome 3. Last evaluated: 2018-12-16. Review status: criteria provided, single submitter. Criteria: Invitae Variant Classification Sherloc (09022015). Collection method: clinical testing. Allele origin: germline.
Comment: In summary, the available evidence is currently insufficient to determine the role of this variant in disease. Therefore, it has been classified as a Variant of Uncertain Significance. Algorithms developed to predict the effect of missense changes on protein structure and function are either unavailable or do not agree on the potential impact of this missense change (SIFT: "Deleterious"; PolyPhen-2: "Possibly Damaging"; Align-GVGD: "Class C0"). This sequence change replaces cysteine with phenylalanine at codon 88 of the SDHD protein (p.Cys88Phe). The cysteine residue is weakly conserved and there is a large physicochemical difference between cysteine and phenylalanine. This variant is not present in population databases (ExAC no frequency). This variant has not been reported in the literature in individuals with SDHD-related conditions.

NM_003002.4(SDHD):c.263G>T (p.Cys88Phe)

Gene: SDHD (succinate dehydrogenase complex subunit D; plus strand). Cytogenetic location: 11q23.1.
Variant type: single nucleotide variant.
Coding change: c.263G>T on transcript NM_003002.4 (MANE Select); coding-DNA position 263, G replaced by T.
Protein change: p.Cys88Phe; replaces cysteine 88 with phenylalanine.
Molecular consequence: missense variant. On other transcripts: non-coding transcript variant (1), intron variant (1).
Genome position (GRCh38, 1-based): chr11:112,088,960, G>T. VCF-style: chr11-112088960-G-T. GRCh37 (hg19) VCF-style: chr11-111959684-G-T.
Other names: c.146G>T, p.Cys49Phe (NM_001276504.2); c.263G>T, p.Cys88Phe (NM_001276506.2); c.169+987G>T (NM_001276503.2); c.263G>T (NM_003002.2); short protein forms C49F, C88F.
Identifiers: ClinVar variation 640638 (VCV000640638.7), dbSNP rs1592780559, ClinGen allele CA382617337.